The following is an entry in ClinVar:

ClinVar aggregate classification (germline): Conflicting classifications of pathogenicity. Review status: criteria provided, conflicting classifications (1 of 4 stars). 4 submissions from 4 submitters: Uncertain significance (3); Likely benign (1). Last evaluated 2025-06-07.

Conditions:
Hereditary cancer-predisposing syndrome. Also called: Hereditary neoplastic syndrome; Tumor predisposition; Hereditary Cancer Syndrome; Neoplastic Syndromes, Hereditary. Identifiers: Orphanet 140162, MedGen C0027672, MeSH D009386, MONDO:0015356.
Hereditary breast ovarian cancer syndrome. Also called: BRCA1- and BRCA2-Associated Hereditary Breast and Ovarian Cancer; Hereditary breast and ovarian cancer syndrome (HBOC); Hereditary breast and/or ovarian cancer syndrome; Hereditary breast and ovarian cancer syndrome; Hereditary breast and ovarian cancer; Breast and ovarian cancer. Identifiers: Orphanet 145, MedGen C0677776, MeSH D061325, MONDO:0003582. Disease mechanism: loss of function.

Submissions (4):

Ambry Genetics
Classification: Uncertain significance for Hereditary cancer-predisposing syndrome. Last evaluated: 2025-06-07. Review status: criteria provided, single submitter. Criteria: Ambry Variant Classification Scheme 2023. Collection method: clinical testing. Allele origin: germline.
Comment: The p.E2037D variant (also known as c.6111A>T), located in coding exon 10 of the BRCA2 gene, results from an A to T substitution at nucleotide position 6111. The glutamic acid at codon 2037 is replaced by aspartic acid, an amino acid with highly similar properties. This amino acid position is conserved. In addition, this alteration is predicted to be tolerated by in silico analysis. Based on the available evidence, the clinical significance of this variant remains unclear.

Labcorp Genetics (formerly Invitae), Labcorp
Classification: Uncertain significance for Hereditary breast ovarian cancer syndrome. Last evaluated: 2024-05-13. Review status: criteria provided, single submitter. Criteria: Invitae Variant Classification Sherloc (09022015). Collection method: clinical testing. Allele origin: germline.
Comment: This sequence change replaces glutamic acid, which is acidic and polar, with aspartic acid, which is acidic and polar, at codon 2037 of the BRCA2 protein (p.Glu2037Asp). This variant is not present in population databases (gnomAD no frequency). This variant has not been reported in the literature in individuals affected with BRCA2-related conditions. ClinVar contains an entry for this variant (Variation ID: 221080). Advanced modeling of protein sequence and biophysical properties (such as structural, functional, and spatial information, amino acid conservation, physicochemical variation, residue mobility, and thermodynamic stability) performed at Invitae indicates that this missense variant is not expected to disrupt BRCA2 protein function with a negative predictive value of 95%. In summary, the available evidence is currently insufficient to determine the role of this variant in disease. Therefore, it has been classified as a Variant of Uncertain Significance.

Color Diagnostics, LLC DBA Color Health
Classification: Uncertain significance for Hereditary cancer-predisposing syndrome. Last evaluated: 2023-12-05. Review status: criteria provided, single submitter. Criteria: ACMG Guidelines, 2015. Collection method: clinical testing. Allele origin: germline.
Comment: This missense variant replaces glutamic acid with aspartic acid at codon 2037 of the BRCA2 protein. Computational prediction suggests that this variant may not impact protein structure and function (internally defined REVEL score threshold <= 0.5, PMID: 27666373). To our knowledge, functional studies have not been reported for this variant. This variant has not been reported in individuals affected with BRCA2-related disorders in the literature. This variant has not been identified in the general population by the Genome Aggregation Database (gnomAD). The available evidence is insufficient to determine the role of this variant in disease conclusively. Therefore, this variant is classified as a Variant of Uncertain Significance.

University of Washington Department of Laboratory Medicine, University of Washington
Classification: Likely benign for Hereditary cancer-predisposing syndrome. Last evaluated: 2023-03-23. Review status: criteria provided, single submitter. Criteria: Dines et al. (Genet Med. 2020). Collection method: curation. Allele origin: germline.
Comment: Missense variant in a coldspot region where missense variants are very unlikely to be pathogenic (PMID:31911673).

BRCA2 exon 11 coldspot. Reclassification based on statistical prior probability.

NM_000059.4(BRCA2):c.6111A>T (p.Glu2037Asp)

Gene: BRCA2 (BRCA2 DNA repair associated; plus strand). Cytogenetic location: 13q13.1.
Variant type: single nucleotide variant.
Coding change: c.6111A>T on transcript NM_000059.4 (MANE Select); coding-DNA position 6111, A replaced by T.
Protein change: p.Glu2037Asp; replaces glutamic acid 2037 with aspartic acid.
Molecular consequence: missense variant.
Genome position (GRCh38, 1-based): chr13:32,340,466, A>T. VCF-style: chr13-32340466-A-T. GRCh37 (hg19) VCF-style: chr13-32914603-A-T.
Other names: short protein forms E2037D.
Identifiers: ClinVar variation 221080 (VCV000221080.18), dbSNP rs864622740, ClinGen allele CA349480.
Genomic context (GRCh38, chr13:32,340,466, plus strand): 5'-AAGTAACGAACATTCAGACCAGCTCACAAGAGAAGAAAATACTGCTATACGTACTCCAGA[A>T]CATTTAATATCCCAAAAAGGCTTTTCATATAATGTGGTAAATTCATCTGCTTTCTCTGGA-3'
Protein context (NP_000050.3, residues 2027-2047): REENTAIRTP[Glu2037Asp]HLISQKGFSY